The following is an entry in ClinVar:

NM_020435.4(GJC2):c.469G>A (p.Glu157Lys)

Gene: GJC2 (gap junction protein gamma 2; plus strand). Cytogenetic location: 1q42.13.
Variant type: single nucleotide variant.
Coding change: c.469G>A on transcript NM_020435.4 (MANE Select); coding-DNA position 469, G replaced by A.
Protein change: p.Glu157Lys; replaces glutamic acid 157 with lysine.
Molecular consequence: missense variant.
Genome position (GRCh38, 1-based): chr1:228,158,227, G>A. VCF-style: chr1-228158227-G-A. GRCh37 (hg19) VCF-style: chr1-228345928-G-A.
Other names: p.Glu157Lys; short protein forms E157K.
Identifiers: ClinVar variation 4542307 (VCV004542307.1).

ClinVar aggregate classification (germline): Uncertain significance (1 of 4 stars; one submission).

Submission:

Mayo Clinic Laboratories, Mayo Clinic
Classification: Uncertain significance. Last evaluated: 2025-05-30. Review status: criteria provided, single submitter. Criteria: ACMG Guidelines, 2015. Collection method: clinical testing. Allele origin: germline. Observed: 1 variant allele.
Comment: PM2_supporting